The following is an entry in ClinVar:

ClinVar aggregate classification (germline): Uncertain significance (1 of 4 stars; one submission).

Conditions:
Hereditary cancer-predisposing syndrome. Also called: Tumor predisposition; Neoplastic Syndromes, Hereditary; Hereditary neoplastic syndrome; Hereditary Cancer Syndrome. Identifiers: Orphanet 140162, MedGen C0027672, MeSH D009386, MONDO:0015356.

Submission:

Ambry Genetics
Classification: Uncertain significance for Hereditary cancer-predisposing syndrome. Last evaluated: 2025-08-27. Review status: criteria provided, single submitter. Criteria: Ambry Variant Classification Scheme 2023. Collection method: clinical testing. Allele origin: germline.
Comment: The p.T488S variant (also known as c.1462A>T), located in coding exon 14 of the MUTYH gene, results from an A to T substitution at nucleotide position 1462. The threonine at codon 488 is replaced by serine, an amino acid with similar properties. This amino acid position is conserved. In addition, this alteration is predicted to be deleterious by in silico analysis. Based on the available evidence, the clinical significance of this variant remains unclear.

NM_001048174.2(MUTYH):c.1378A>T (p.Thr460Ser)

Gene: MUTYH (mutY DNA glycosylase; minus strand). Cytogenetic location: 1p34.1.
Variant type: single nucleotide variant.
Coding change: c.1378A>T on transcript NM_001048174.2 (MANE Select); coding-DNA position 1378, A replaced by T.
Protein change: p.Thr460Ser; replaces threonine 460 with serine.
Molecular consequence: missense variant. On other transcripts: non-coding transcript variant (7).
Genome position (GRCh38, 1-based): chr1:45,331,196, T>A on the plus strand (A>T on the coding strand, the complement: MUTYH is on the minus strand). VCF-style: chr1-45331196-T-A. GRCh37 (hg19) VCF-style: chr1-45796868-T-A.
Other names: c.1378A>T, p.Thr460Ser (NM_001048171.2, NM_001048173.2, NM_001293195.2 and 6 more transcripts); c.1381A>T, p.Thr461Ser (NM_001048172.2, NM_001407086.1, NM_001407078.1 and 1 more transcripts); c.1462A>T, p.Thr488Ser (NM_001128425.2); c.1423A>T, p.Thr475Ser (NM_001293190.2); c.1411A>T, p.Thr471Ser (NM_001293191.2, NM_001407077.1, NM_001407069.1); c.1102A>T, p.Thr368Ser (NM_001293192.2, NM_001293196.2, NM_001407091.1); c.1033A>T, p.Thr345Ser (NM_001350650.2, NM_001407082.1, NM_001350651.2); c.1336A>T, p.Thr446Ser (NM_001407080.1); and 5 more; short protein forms T447S, T467S, T471S, T474S, T345S, T432S, T446S, T461S.
Identifiers: ClinVar variation 4113265 (VCV004113265.1).